The following is an entry in ClinVar:

NM_001972.4(ELANE):c.655G>A (p.Val219Ile)

Gene: ELANE (elastase, neutrophil expressed; plus strand). Cytogenetic location: 19p13.3.
Variant type: single nucleotide variant.
Coding change: c.655G>A on transcript NM_001972.4 (MANE Select); coding-DNA position 655, G replaced by A.
Protein change: p.Val219Ile; replaces valine 219 with isoleucine.
Molecular consequence: missense variant.
Genome position (GRCh38, 1-based): chr19:856,015, G>A. VCF-style: chr19-856015-G-A. GRCh37 (hg19) VCF-style: chr19-856015-G-A.
Other names: p.V219I:GTC>ATC; c.655G>A (LRG_57t1); short protein forms V219I.
Identifiers: ClinVar variation 137201 (VCV000137201.40), dbSNP rs17216656, ClinGen allele CA290726.

ClinVar aggregate classification (germline): Benign/Likely benign. Review status: criteria provided, multiple submitters, no conflicts (2 of 4 stars). 12 submissions from 12 submitters: Benign (6); Likely benign (4). 2 of the submissions do not count toward it. Last evaluated 2026-02-02.

Conditions:
Cyclical neutropenia. Also called: Cyclic hematopoiesis; Cyclic Neutropenia. Identifiers: Orphanet 2686, MedGen C0221023, MONDO:0008090, OMIM 162800, HP:0040289. Disease mechanism: loss of function.
Neutropenia, severe congenital, 1, autosomal dominant. Identifiers: MedGen C1859966, MONDO:0042490, OMIM 202700.
Autoinflammatory syndrome. Identifiers: Orphanet 93665, MedGen C3890737, MONDO:0019751.

Allele frequency attached by ClinVar (database versions not stated): ESP Exome Variant Server 0.00823; gnomAD 0.00892 and 0.00945; TOPMed 0.00996; 1000 Genomes Project 0.00998; 1000 Genomes Project 30x 0.01077.
gnomAD v4.1: 2,729 of 1,613,536 alleles (0.17%); highest among the groups gnomAD compares: African/African-American, 3.1%; 44 homozygotes.

Submissions (12):

Labcorp Genetics (formerly Invitae), Labcorp
Classification: Benign for Neutropenia, severe congenital, 1, autosomal dominant; Cyclical neutropenia. Last evaluated: 2026-02-02. Review status: criteria provided, single submitter. Criteria: Invitae Variant Classification Sherloc (09022015). Collection method: clinical testing. Allele origin: germline.

Women's Health and Genetics/Laboratory Corporation of America, LabCorp
Classification: Likely benign. Last evaluated: 2026-01-23. Review status: criteria provided, single submitter. Criteria: LabCorp Variant Classification Summary - May 2015. Collection method: clinical testing. Allele origin: germline.

ARUP Laboratories, Molecular Genetics and Genomics, ARUP Laboratories
Classification: Benign. Last evaluated: 2025-05-05. Review status: criteria provided, single submitter. Criteria: ARUP Molecular Germline Variant Investigation Process 2024. Collection method: clinical testing. Allele origin: germline.

Genetic Services Laboratory, University of Chicago
Classification: Benign. Last evaluated: 2020-10-07. Review status: criteria provided, single submitter. Criteria: ACMG Guidelines, 2015. Collection method: clinical testing. Allele origin: germline. Affected: no.

Genome Diagnostics Laboratory, The Hospital for Sick Children
Classification: Likely benign for Autoinflammatory syndrome. Last evaluated: 2020-02-01. Review status: criteria provided, single submitter. Criteria: ACMG Guidelines, 2015. Collection method: clinical testing. Allele origin: germline. Affected: yes.

Mendelics
Classification: Benign for Cyclical neutropenia. Last evaluated: 2019-05-28. Review status: criteria provided, single submitter. Criteria: Mendelics Assertion Criteria 2017. Collection method: clinical testing. Allele origin: unknown.

GeneDx
Classification: Benign. Last evaluated: 2018-12-19. Review status: criteria provided, single submitter. Criteria: GeneDx Variant Classification Process June 2021. Collection method: clinical testing. Allele origin: germline. Affected: yes.
Comment: This variant is associated with the following publications: (PMID: 20981092, 27884173, 14962902)

Mayo Clinic Laboratories, Mayo Clinic
Classification: Benign. Last evaluated: 2018-06-29. Review status: criteria provided, single submitter. Criteria: ACMG Guidelines, 2015. Collection method: clinical testing. Allele origin: germline. Observed: 17 variant alleles.

Breakthrough Genomics
Classification: Likely benign. Review status: criteria provided, single submitter. Criteria: ACMG Guidelines, 2015. Collection method: not provided. Allele origin: germline. Inheritance: Autosomal dominant inheritance. Affected: yes.

PreventionGenetics, part of Exact Sciences
Classification: Likely benign. Review status: criteria provided, single submitter. Criteria: ACMG Guidelines, 2015. Collection method: clinical testing. Allele origin: germline.

Clinical Genetics DNA and cytogenetics Diagnostics Lab, Erasmus MC, Erasmus Medical Center
Classification: Benign. Review status: no assertion criteria provided. Collection method: clinical testing. Allele origin: germline. Affected: yes. Study: VKGL Data-share Consensus. Not counted in ClinVar's aggregate classification.

Genome Diagnostics Laboratory, Amsterdam University Medical Center
Classification: Benign. Review status: no assertion criteria provided. Collection method: clinical testing. Allele origin: germline. Affected: yes. Study: VKGL Data-share Consensus. Not counted in ClinVar's aggregate classification.